The following is an entry in ClinVar:

NM_000804.4(FOLR3):c.153C>T (p.Asp51=)

Gene: FOLR3 (folate receptor gamma; plus strand). Cytogenetic location: 11q13.4.
Variant type: single nucleotide variant.
Coding change: c.153C>T on transcript NM_000804.4 (MANE Select); coding-DNA position 153, C replaced by T.
Protein change: p.Asp51=; no amino-acid change (aspartic acid 51 retained).
Molecular consequence: synonymous variant. On other transcripts: 5 prime UTR variant (1).
Genome position (GRCh38, 1-based): chr11:72,136,105, C>T. VCF-style: chr11-72136105-C-T. GRCh37 (hg19) VCF-style: chr11-71847151-C-T.
Other names: c.-249C>T (NM_001318045.2).
Identifiers: ClinVar variation 785366 (VCV000785366.7), dbSNP rs151190708, ClinGen allele CA6168845.

ClinVar aggregate classification (germline): Benign. Review status: criteria provided, multiple submitters, no conflicts (2 of 4 stars). 3 submissions from 3 submitters: Benign (2). 1 of the submissions does not count toward it. Last evaluated 2019-12-31.

Conditions:
FOLR3-related disorder. Also called: FOLR3-related condition.

Allele frequency attached by ClinVar (database versions not stated): gnomAD exomes 0.00185 and 0.00517; gnomAD 0.02155 and 0.01997; ESP Exome Variant Server 0.02156; TOPMed 0.02245; 1000 Genomes Project 0.02276; 1000 Genomes Project 30x 0.02342; ExAC 0.00646.
gnomAD v4.1: 5,848 of 1,614,040 alleles (0.36%); highest among the groups gnomAD compares: African/African-American, 6.9%; 192 homozygotes.

Submissions (3):

Labcorp Genetics (formerly Invitae), Labcorp
Classification: Benign. Last evaluated: 2019-12-31. Review status: criteria provided, single submitter. Criteria: Invitae Variant Classification Sherloc (09022015). Collection method: clinical testing. Allele origin: germline.

Breakthrough Genomics
Classification: Benign. Review status: criteria provided, single submitter. Criteria: ACMG Guidelines, 2015. Collection method: not provided. Allele origin: germline. Inheritance: Unknown mechanism. Affected: yes.

PreventionGenetics, part of Exact Sciences
Classification: Benign for FOLR3-related condition. Last evaluated: 2019-04-02. Review status: no assertion criteria provided. Collection method: clinical testing. Allele origin: germline. Not counted in ClinVar's aggregate classification.
Comment: This variant is classified as benign based on ACMG/AMP sequence variant interpretation guidelines (Richards et al. 2015 PMID: 25741868, with internal and published modifications).